The following is an entry in ClinVar:

NM_001103146.3(GIGYF2):c.1378C>A (p.Pro460Thr)

Gene: GIGYF2 (GRB10 interacting GYF protein 2; plus strand). Cytogenetic location: 2q37.1.
Variant type: single nucleotide variant.
Coding change: c.1378C>A on transcript NM_001103146.3 (MANE Select); coding-DNA position 1378, C replaced by A.
Protein change: p.Pro460Thr; replaces proline 460 with threonine.
Molecular consequence: missense variant. On other transcripts: non-coding transcript variant (1).
Genome position (GRCh38, 1-based): chr2:232,794,843, C>A. VCF-style: chr2-232794843-C-A. GRCh37 (hg19) VCF-style: chr2-233659553-C-A.
Other names: p.Pro460Thr; c.1441C>A, p.Pro481Thr (NM_001103147.2); c.1360C>A, p.Pro454Thr (NM_001103148.2); c.1378C>A, p.Pro460Thr (NM_015575.4); c.1378C>A (NM_001103146.2); short protein forms P454T, P460T, P481T.
Identifiers: ClinVar variation 1295070 (VCV001295070.6), dbSNP rs2289912, ClinGen allele CA2170348.

ClinVar aggregate classification (germline): Benign. Review status: criteria provided, multiple submitters, no conflicts (2 of 4 stars). 4 submissions from 4 submitters: Benign (3). 1 of the submissions does not count toward it. Last evaluated 2022-03-23.

Conditions:
GIGYF2-related disorder. Also called: GIGYF2-related condition.

Allele frequency attached by ClinVar (database versions not stated): gnomAD exomes 0.03215 and 0.05466; ExAC 0.05238; TOPMed 0.03096; gnomAD 0.03291 and 0.02800; 1000 Genomes Project 30x 0.07714; 1000 Genomes Project 0.08307; ESP Exome Variant Server 0.01561.
gnomAD v4.1: 52,175 of 1,613,548 alleles (3.2%); highest among the groups gnomAD compares: East Asian, 25%; 2,427 homozygotes.

Submissions (4):

Mayo Clinic Laboratories, Mayo Clinic
Classification: Benign. Last evaluated: 2022-03-23. Review status: criteria provided, single submitter. Criteria: ACMG Guidelines, 2015. Collection method: clinical testing. Allele origin: germline. Observed: 44 variant alleles.

GeneDx
Classification: Benign. Last evaluated: 2021-06-09. Review status: criteria provided, single submitter. Criteria: GeneDx Variant Classification Process June 2021. Collection method: clinical testing. Allele origin: germline. Affected: yes.

Breakthrough Genomics
Classification: Benign. Review status: criteria provided, single submitter. Criteria: ACMG Guidelines, 2015. Collection method: not provided. Allele origin: germline. Inheritance: Unknown mechanism. Affected: yes.

PreventionGenetics, part of Exact Sciences
Classification: Benign for GIGYF2-related condition. Last evaluated: 2019-07-17. Review status: no assertion criteria provided. Collection method: clinical testing. Allele origin: germline. Not counted in ClinVar's aggregate classification.
Comment: This variant is classified as benign based on ACMG/AMP sequence variant interpretation guidelines (Richards et al. 2015 PMID: 25741868, with internal and published modifications).